The following is an entry in ClinVar:

ClinVar aggregate classification (germline): Uncertain significance. Review status: criteria provided, single submitter (1 of 4 stars). 2 submissions from 2 submitters: Uncertain significance (1). 1 of the submissions does not count toward it. Last evaluated 2022-07-25.

Conditions:
Retinitis pigmentosa 25 (RP25). Identifiers: Orphanet 791, MedGen C1864446, MONDO:0011272, OMIM 602772.

Allele frequency attached by ClinVar (database versions not stated): TOPMed 0.00002.
gnomAD v4.1: 8 of 1,547,514 alleles (0.00052%); highest among the groups gnomAD compares: South Asian, 0.0048%; no homozygotes.

Submissions (2):

Labcorp Genetics (formerly Invitae), Labcorp
Classification: Uncertain significance. Last evaluated: 2022-07-25. Review status: criteria provided, single submitter. Criteria: Invitae Variant Classification Sherloc (09022015). Collection method: clinical testing. Allele origin: germline.
Comment: This sequence change replaces arginine, which is basic and polar, with proline, which is neutral and non-polar, at codon 667 of the EYS protein (p.Arg667Pro). This variant is present in population databases (no rsID available, gnomAD 0.004%). This variant has not been reported in the literature in individuals affected with EYS-related conditions. ClinVar contains an entry for this variant (Variation ID: 1000726). Algorithms developed to predict the effect of missense changes on protein structure and function (SIFT, PolyPhen-2, Align-GVGD) all suggest that this variant is likely to be tolerated. In summary, the available evidence is currently insufficient to determine the role of this variant in disease. Therefore, it has been classified as a Variant of Uncertain Significance.

Natera, Inc.
Classification: Uncertain significance for Retinitis pigmentosa type 25. Last evaluated: 2021-03-18. Review status: no assertion criteria provided. Collection method: clinical testing. Allele origin: germline. Not counted in ClinVar's aggregate classification.

NM_001142800.2(EYS):c.2000G>C (p.Arg667Pro)

Gene: EYS (eyes shut homolog; minus strand). Cytogenetic location: 6q12.
Variant type: single nucleotide variant.
Coding change: c.2000G>C on transcript NM_001142800.2 (MANE Select); coding-DNA position 2000, G replaced by C.
Protein change: p.Arg667Pro; replaces arginine 667 with proline.
Molecular consequence: missense variant.
Genome position (GRCh38, 1-based): chr6:65,295,886, C>G on the plus strand (G>C on the coding strand, the complement: EYS is on the minus strand). VCF-style: chr6-65295886-C-G. GRCh37 (hg19) VCF-style: chr6-66005779-C-G.
Other names: c.2000G>C, p.Arg667Pro (NM_001292009.2); short protein forms R667P.
Identifiers: ClinVar variation 1000726 (VCV001000726.7), dbSNP rs549456693, ClinGen allele CA364659336.